The following is an entry in ClinVar:

ClinVar aggregate classification (germline): Uncertain significance (1 of 4 stars; one submission).

Conditions:
Hereditary cancer-predisposing syndrome. Also called: Neoplastic Syndromes, Hereditary; Tumor predisposition; Hereditary neoplastic syndrome; Hereditary Cancer Syndrome. Identifiers: Orphanet 140162, MedGen C0027672, MeSH D009386, MONDO:0015356.

Submission:

Ambry Genetics
Classification: Uncertain significance for Hereditary cancer-predisposing syndrome. Last evaluated: 2026-07-07. Review status: criteria provided, single submitter. Criteria: Ambry Variant Classification Scheme 2023. Collection method: clinical testing. Allele origin: germline.
Comment: The p.L662M variant (also known as c.1984C>A), located in coding exon 7 of the AXIN2 gene, results from a C to A substitution at nucleotide position 1984. The leucine at codon 662 is replaced by methionine, an amino acid with highly similar properties. This amino acid position is conserved. In addition, this alteration is predicted to be tolerated by in silico analysis. Based on the available evidence, the clinical significance of this variant remains unclear.

NM_004655.4(AXIN2):c.1984C>A (p.Leu662Met)

Gene: AXIN2 (axin 2; minus strand). Cytogenetic location: 17q24.1.
Variant type: single nucleotide variant.
Coding change: c.1984C>A on transcript NM_004655.4 (MANE Select); coding-DNA position 1984, C replaced by A.
Protein change: p.Leu662Met; replaces leucine 662 with methionine.
Molecular consequence: missense variant.
Genome position (GRCh38, 1-based): chr17:65,536,477, G>T on the plus strand (C>A on the coding strand, the complement: AXIN2 is on the minus strand). VCF-style: chr17-65536477-G-T. GRCh37 (hg19) VCF-style: chr17-63532595-G-T.
Other names: c.1789C>A, p.Leu597Met (NM_001363813.1); short protein forms L662M, L597M.
Identifiers: ClinVar variation 5032613 (VCV005032613.1).